The following is an entry in ClinVar:

NM_001142966.3(GREB1L):c.2992G>A (p.Glu998Lys)

Gene: GREB1L (GREB1 like retinoic acid receptor coactivator; plus strand). Cytogenetic location: 18q11.1.
Variant type: single nucleotide variant.
Coding change: c.2992G>A on transcript NM_001142966.3 (MANE Select); coding-DNA position 2992, G replaced by A.
Protein change: p.Glu998Lys; replaces glutamic acid 998 with lysine.
Molecular consequence: missense variant.
Genome position (GRCh38, 1-based): chr18:21,490,313, G>A. VCF-style: chr18-21490313-G-A. GRCh37 (hg19) VCF-style: chr18-19070274-G-A.
Other names: p.Glu998Lys; c.3121G>A, p.Glu1041Lys (NM_001410867.1); c.2665G>A, p.Glu889Lys (NM_001410868.1); c.2992G>A (NM_001142966.2); short protein forms E1041K, E889K, E998K.
Identifiers: ClinVar variation 2636022 (VCV002636022.4), dbSNP rs758445815, ClinGen allele CA8906541.
Genomic context (GRCh38, chr18:21,490,313, plus strand): 5'-GTGCGCGACAAACTGGGTCTGCAGTATCGGTTTGAGATCATCCTTGGGAACCCGGCCACC[G>A]AACTCAGTGTTGCAACTCACTTTGTGGCGCGATTAAAGGTTAGCAATGGACAGACATTTC-3'
Protein context (NP_001136438.1, residues 988-1008): FEIILGNPAT[Glu998Lys]LSVATHFVAR

ClinVar aggregate classification (germline): Conflicting classifications of pathogenicity. Review status: criteria provided, conflicting classifications (1 of 4 stars). 3 submissions from 3 submitters: Uncertain significance (2); Likely benign (1). Last evaluated 2025-06-29.

Conditions:
GREB1L-related disorder. Also called: GREB1L-related condition.

Allele frequency attached by ClinVar (database versions not stated): gnomAD 0.00003; TOPMed 0.00006; ExAC 0.00009; gnomAD exomes 0.00010.
gnomAD v4.1: 144 of 1,551,652 alleles (0.0093%); highest among the groups gnomAD compares: East Asian, 0.21%; 1 homozygote.

Submissions (3):

Mayo Clinic Laboratories, Mayo Clinic
Classification: Uncertain significance. Last evaluated: 2025-06-29. Review status: criteria provided, single submitter. Criteria: ACMG Guidelines, 2015. Collection method: clinical testing. Allele origin: germline. Observed: 1 variant allele.

PreventionGenetics, part of Exact Sciences
Classification: Uncertain significance for GREB1L-related condition. Last evaluated: 2025-05-05. Review status: criteria provided, single submitter. Criteria: ACMG Guidelines, 2015. Collection method: clinical testing. Allele origin: germline.
Comment: The GREB1L c.2992G>A variant is predicted to result in the amino acid substitution p.Glu998Lys. To our knowledge, this variant has not been reported in the literature. This variant is reported in 0.016% of alleles in individuals of East Asian descent in gnomAD, which is likely too common for an undocumented disease-causing variant. Although we suspect that this variant may be benign, at this time, the clinical significance of this variant is uncertain due to the absence of conclusive functional and genetic evidence.

Blueprint Genetics
Classification: Likely benign. Last evaluated: 2024-11-25. Review status: criteria provided, single submitter. Criteria: ACMG Guidelines, 2015. Collection method: clinical testing. Allele origin: germline.

Literature cited by the submitters: PubMed 34906515 (cited by Mayo Clinic Laboratories, Mayo Clinic).